The following is an entry in ClinVar:

ClinVar aggregate classification (germline): Uncertain significance. Review status: criteria provided, multiple submitters, no conflicts (2 of 4 stars). 2 submissions from 2 submitters: Uncertain significance (2). Last evaluated 2025-08-07.

Allele frequency attached by ClinVar (database versions not stated): TOPMed below 0.00001.
gnomAD v4.1: 5 of 1,579,000 alleles (0.00032%); highest among the groups gnomAD compares: South Asian, 0.0023%; no homozygotes.

Submissions (2):

Ambry Genetics
Classification: Uncertain significance. Last evaluated: 2025-08-07. Review status: criteria provided, single submitter. Criteria: Ambry Variant Classification Scheme 2023. Collection method: clinical testing. Allele origin: germline.

Labcorp Genetics (formerly Invitae), Labcorp
Classification: Uncertain significance. Last evaluated: 2022-06-30. Review status: criteria provided, single submitter. Criteria: Invitae Variant Classification Sherloc (09022015). Collection method: clinical testing. Allele origin: germline.
Comment: This sequence change replaces aspartic acid, which is acidic and polar, with histidine, which is basic and polar, at codon 64 of the RGS9BP protein (p.Asp64His). This variant is not present in population databases (gnomAD no frequency). This variant has not been reported in the literature in individuals affected with RGS9BP-related conditions. Algorithms developed to predict the effect of missense changes on protein structure and function (SIFT, PolyPhen-2, Align-GVGD) all suggest that this variant is likely to be tolerated. In summary, the available evidence is currently insufficient to determine the role of this variant in disease. Therefore, it has been classified as a Variant of Uncertain Significance.

NM_207391.3(RGS9BP):c.190G>C (p.Asp64His)

Gene: RGS9BP (regulator of G protein signaling 9 binding protein; plus strand). Cytogenetic location: 19q13.11.
Variant type: single nucleotide variant.
Coding change: c.190G>C on transcript NM_207391.3 (MANE Select); coding-DNA position 190, G replaced by C.
Protein change: p.Asp64His; replaces aspartic acid 64 with histidine.
Molecular consequence: missense variant.
Genome position (GRCh38, 1-based): chr19:32,676,453, G>C. VCF-style: chr19-32676453-G-C. GRCh37 (hg19) VCF-style: chr19-33167359-G-C.
Other names: c.190G>C (NM_207391.2); short protein forms D64H.
Identifiers: ClinVar variation 1945446 (VCV001945446.3), dbSNP rs1968001134, ClinGen allele CA405185790.